The following is an entry in ClinVar:

ClinVar aggregate classification (germline): Uncertain significance (1 of 4 stars; one submission).

Conditions:
Charcot-Marie-Tooth disease axonal type 2O. Also called: Charcot-Marie-Tooth disease, axonal, type 20; CHARCOT-MARIE-TOOTH NEUROPATHY, AXONAL, TYPE 2O; CHARCOT-MARIE-TOOTH DISEASE, AXONAL, AUTOSOMAL DOMINANT, TYPE 2O; Charcot-Marie-Tooth Neuropathy Type 2O. Identifiers: Orphanet 284232, MedGen C3280220, MONDO:0013644, OMIM 614228.

Submission:

Labcorp Genetics (formerly Invitae), Labcorp
Classification: Uncertain significance for Charcot-Marie-Tooth disease axonal type 2O. Last evaluated: 2024-06-12. Review status: criteria provided, single submitter. Criteria: Invitae Variant Classification Sherloc (09022015). Collection method: clinical testing. Allele origin: germline.
Comment: This sequence change replaces glutamine, which is neutral and polar, with arginine, which is basic and polar, at codon 1151 of the DYNC1H1 protein (p.Gln1151Arg). This variant is not present in population databases (gnomAD no frequency). This variant has not been reported in the literature in individuals affected with DYNC1H1-related conditions. Advanced modeling of protein sequence and biophysical properties (such as structural, functional, and spatial information, amino acid conservation, physicochemical variation, residue mobility, and thermodynamic stability) performed at Invitae indicates that this missense variant is not expected to disrupt DYNC1H1 protein function with a negative predictive value of 95%. In summary, the available evidence is currently insufficient to determine the role of this variant in disease. Therefore, it has been classified as a Variant of Uncertain Significance.

NM_001376.5(DYNC1H1):c.3452A>G (p.Gln1151Arg)

Gene: DYNC1H1 (dynein cytoplasmic 1 heavy chain 1; plus strand). Cytogenetic location: 14q32.31.
Variant type: single nucleotide variant.
Coding change: c.3452A>G on transcript NM_001376.5 (MANE Select); coding-DNA position 3452, A replaced by G.
Protein change: p.Gln1151Arg; replaces glutamine 1151 with arginine.
Molecular consequence: missense variant.
Genome position (GRCh38, 1-based): chr14:101,995,188, A>G. VCF-style: chr14-101995188-A-G. GRCh37 (hg19) VCF-style: chr14-102461525-A-G.
Other names: short protein forms Q1151R.
Identifiers: ClinVar variation 3636135 (VCV003636135.2).